The following is an entry in ClinVar:

ClinVar aggregate classification (germline): Uncertain significance (1 of 4 stars; one submission).

Submission:

Labcorp Genetics (formerly Invitae), Labcorp
Classification: Uncertain significance. Last evaluated: 2024-07-23. Review status: criteria provided, single submitter. Criteria: Invitae Variant Classification Sherloc (09022015). Collection method: clinical testing. Allele origin: germline.
Comment: This sequence change replaces arginine, which is basic and polar, with glycine, which is neutral and non-polar, at codon 83 of the YWHAG protein (p.Arg83Gly). This variant is not present in population databases (gnomAD no frequency). This variant has not been reported in the literature in individuals affected with YWHAG-related conditions. Advanced modeling of protein sequence and biophysical properties (such as structural, functional, and spatial information, amino acid conservation, physicochemical variation, residue mobility, and thermodynamic stability) performed at Invitae indicates that this missense variant is not expected to disrupt YWHAG protein function with a negative predictive value of 80%. In summary, the available evidence is currently insufficient to determine the role of this variant in disease. Therefore, it has been classified as a Variant of Uncertain Significance.

NM_012479.4(YWHAG):c.247C>G (p.Arg83Gly)

Gene: YWHAG (tyrosine 3-monooxygenase/tryptophan 5-monooxygenase activation protein gamma; minus strand). Cytogenetic location: 7q11.23.
Variant type: single nucleotide variant.
Coding change: c.247C>G on transcript NM_012479.4 (MANE Select); coding-DNA position 247, C replaced by G.
Protein change: p.Arg83Gly; replaces arginine 83 with glycine.
Molecular consequence: missense variant.
Genome position (GRCh38, 1-based): chr7:76,330,074, G>C on the plus strand (C>G on the coding strand, the complement: YWHAG is on the minus strand). VCF-style: chr7-76330074-G-C. GRCh37 (hg19) VCF-style: chr7-75959391-G-C.
Other names: short protein forms R83G.
Identifiers: ClinVar variation 3705049 (VCV003705049.2).